The following is an entry in ClinVar:

ClinVar aggregate classification (germline): Pathogenic/Likely pathogenic. Review status: criteria provided, multiple submitters, no conflicts (2 of 4 stars). 3 submissions from 3 submitters: Pathogenic (1); Likely pathogenic (2). Last evaluated 2025-07-10.

Conditions:
Heinz body anemia. Also called: Heinz body hemolytic anemia. Identifiers: Orphanet 178330, MedGen C0700299, MONDO:0007705, OMIM 140700, HP:0005511.
alpha Thalassemia. Also called: Alpha thalassemia spectrum. Identifiers: Orphanet 846, MedGen C0002312, MONDO:0011399, OMIM 604131.
Erythrocytosis, familial, 7. Also called: ERYTHROCYTOSIS, ALPHA-GLOBIN TYPE; POLYCYTHEMIA, ALPHA-GLOBIN TYPE; ERYTHROCYTOSIS 7. Identifiers: MedGen C4693823, MONDO:0054802, OMIM 617981.
Hemoglobin H disease (HBH). Also called: Hemoglobin H (HbH) Disease; ALPHA-THALASSEMIA, HEMOGLOBIN H TYPE; HEMOGLOBIN H DISEASE, DELETIONAL. Identifiers: Orphanet 93616, MedGen C3161174, MONDO:0013512, OMIM 613978. Disease mechanism: loss of function.
Methemoglobinemia, alpha type. Identifiers: MedGen C4693798, MONDO:0020835, OMIM 617973.

Submissions (3):

ARUP Laboratories, Molecular Genetics and Genomics, ARUP Laboratories
Classification: Likely pathogenic. Last evaluated: 2025-07-10. Review status: criteria provided, single submitter. Criteria: ARUP Molecular Germline Variant Investigation Process 2024. Collection method: clinical testing. Allele origin: germline.
Comment: The HBA1 c.95+2T>C variant (rs1246735735), to our knowledge, is not reported in the medical literature or gene specific databases. This variant is also absent from the Genome Aggregation Database (v2.1.1), indicating it is not a common polymorphism. This variant disrupts the canonical splice donor site of intron one, which is likely to negatively impact gene function. Based on available information, this variant is considered to be likely pathogenic.

Natera, Inc.
Classification: Pathogenic for Alpha thalassemia. Last evaluated: 2025-03-04. Review status: criteria provided, single submitter. Criteria: Natera Variant Classification Schema (03/2026). Collection method: clinical testing. Allele origin: germline.
Comment: The c.95+2T>C variant in HBA1 is a canonical splice donor site variant predicted to affect pre-mRNA splicing, which may result in an abnormal transcript and altered protein product. This variant is expected to result in nonsense mediated decay, truncation, or a dysfunctional protein product. This variant is rare in the general population with a frequency below the threshold expected for the associated phenotype(s). Another variant at this same site results in an alteration predicted to cause a similar molecular effect has been observed in individual(s) with the associated phenotype. Given the available evidence, this variant is classified as Pathogenic.

Fulgent Genetics
Classification: Likely pathogenic for Heinz body anemia; alpha Thalassemia; Hemoglobin H disease; Methemoglobinemia, alpha type; Erythrocytosis, familial, 7. Last evaluated: 2024-02-16. Review status: criteria provided, single submitter. Criteria: ACMG Guidelines, 2015. Collection method: clinical testing. Allele origin: germline.

NM_000558.5(HBA1):c.95+2T>C

Genes: HBA1 (hemoglobin subunit alpha 1; plus strand), LOC106804613 (hemoglobin subunit alpha 1 recombination region; plus strand). Cytogenetic location: 16p13.3.
Variant type: single nucleotide variant.
Coding change: c.95+2T>C on transcript NM_000558.5 (MANE Select); the canonical splice donor site of the intron after coding-DNA position 95, T replaced by C.
Molecular consequence: splice donor variant.
Genome position (GRCh38, 1-based): chr16:176,813, T>C. VCF-style: chr16-176813-T-C. GRCh37 (hg19) VCF-style: chr16-226812-T-C.
Other names: c.95+2T>C (NM_000558.4).
Identifiers: ClinVar variation 3579878 (VCV003579878.4).